The following is an entry in ClinVar:

ClinVar aggregate classification (germline): Pathogenic (1 of 4 stars; one submission).

Submission:

Labcorp Genetics (formerly Invitae), Labcorp
Classification: Pathogenic. Last evaluated: 2019-11-25. Review status: criteria provided, single submitter. Criteria: Invitae Variant Classification Sherloc (09022015). Collection method: clinical testing. Allele origin: germline.
Comment: This sequence change creates a premature translational stop signal (p.Asp239Thrfs*38) in the ALPL gene. It is expected to result in an absent or disrupted protein product. For these reasons, this variant has been classified as Pathogenic. Loss-of-function variants in ALPL are known to be pathogenic (PMID: 3174660, 10679946, 19500388). This variant has not been reported in the literature in individuals with ALPL-related conditions. This variant is not present in population databases (ExAC no frequency).

Literature cited by the submitters: PubMed 3174660; PubMed 10679946; PubMed 19500388.

NM_000478.6(ALPL):c.715del (p.Asp239fs)

Gene: ALPL (alkaline phosphatase, biomineralization associated; plus strand). Cytogenetic location: 1p36.12.
Variant type: Deletion.
Coding change: c.715del on transcript NM_000478.6 (MANE Select); coding-DNA position 715, one base deleted (G; older notation c.715delG).
Protein change: p.Asp239fs; shifts the reading frame from aspartic acid 239.
Molecular consequence: frameshift variant.
Genome position (GRCh38, 1-based): chr1:21,568,170, G deleted. VCF-style (leftmost placement, unchanged base first): chr1-21568169-TG-T. GRCh37 (hg19) VCF-style: chr1-21894662-TG-T.
Other names: c.550del, p.Asp184fs (NM_001127501.4); c.484del, p.Asp162fs (NM_001177520.3); c.715del, p.Asp239fs (NM_001369803.2, NM_001369804.2, NM_001369805.2); short protein forms D162fs, D184fs, D239fs.
Identifiers: ClinVar variation 852461 (VCV000852461.7), dbSNP rs1644593994, ClinGen allele CA916082004.